The following is an entry in ClinVar:

NM_020754.4(ARHGAP31):c.1926+6G>A

Gene: ARHGAP31 (Rho GTPase activating protein 31; plus strand). Cytogenetic location: 3q13.33.
Variant type: single nucleotide variant.
Coding change: c.1926+6G>A on transcript NM_020754.4 (MANE Select); 6 bases into the intron after coding-DNA position 1926, G replaced by A.
Molecular consequence: intron variant.
Genome position (GRCh38, 1-based): chr3:119,409,782, G>A. VCF-style: chr3-119409782-G-A. GRCh37 (hg19) VCF-style: chr3-119128629-G-A.
Identifiers: ClinVar variation 3357699 (VCV003357699.2).

ClinVar aggregate classification (germline): Likely benign. Review status: criteria provided, single submitter (1 of 4 stars). 2 submissions from 2 submitters: Likely benign (1). 1 of the submissions does not count toward it. Last evaluated 2022-03-08.

Conditions:
ARHGAP31-related disorder. Also called: ARHGAP31-related condition.

gnomAD v4.1: 50 of 1,594,680 alleles (0.0031%); highest among the groups gnomAD compares: Middle Eastern, 0.18%; no homozygotes.

Submissions (2):

Blueprint Genetics
Classification: Likely benign. Last evaluated: 2022-03-08. Review status: criteria provided, single submitter. Criteria: ACMG Guidelines, 2015. Collection method: clinical testing. Allele origin: germline.

PreventionGenetics, part of Exact Sciences
Classification: Likely benign for ARHGAP31-related condition. Last evaluated: 2024-05-16. Review status: no assertion criteria provided. Collection method: clinical testing. Allele origin: germline. Not counted in ClinVar's aggregate classification.
Comment: This variant is classified as likely benign based on ACMG/AMP sequence variant interpretation guidelines (Richards et al. 2015 PMID: 25741868, with internal and published modifications).